The following is an entry in ClinVar:

ClinVar aggregate classification (germline): Benign. Review status: criteria provided, multiple submitters, no conflicts (2 of 4 stars). 8 submissions from 8 submitters: Benign (6). 2 of the submissions do not count toward it. Last evaluated 2026-02-04.

Conditions:
FLNB-Related Spectrum Disorders.

Allele frequency attached by ClinVar (database versions not stated): gnomAD exomes 0.66073 and 0.70672; ExAC 0.70790; gnomAD 0.72429 and 0.72861; ESP Exome Variant Server 0.72559; TOPMed 0.74628; 1000 Genomes Project 30x 0.83276; 1000 Genomes Project 0.83327.
gnomAD v4.1: 1,077,449 of 1,612,038 alleles (67%); highest among the groups gnomAD compares: East Asian, 100%; 366,694 homozygotes.

Submissions (8):

Labcorp Genetics (formerly Invitae), Labcorp
Classification: Benign. Last evaluated: 2026-02-04. Review status: criteria provided, single submitter. Criteria: Invitae Variant Classification Sherloc (09022015). Collection method: clinical testing. Allele origin: germline.

Blueprint Genetics
Classification: Benign. Last evaluated: 2024-11-26. Review status: criteria provided, single submitter. Criteria: ACMG Guidelines, 2015. Collection method: clinical testing. Allele origin: germline.

Illumina Laboratory Services, Illumina
Classification: Benign for FLNB-Related Spectrum Disorders. Last evaluated: 2018-01-13. Review status: criteria provided, single submitter. Criteria: ICSL Variant Classification Criteria 13 December 2019. Collection method: clinical testing. Allele origin: germline.
Comment: This variant was observed in the ICSL laboratory as part of a predisposition screen in an ostensibly healthy population. It had not been previously curated by ICSL or reported in the Human Gene Mutation Database (HGMD: prior to June 1st, 2018), and was therefore a candidate for classification through an automated scoring system. Utilizing variant allele frequency, disease prevalence and penetrance estimates, and inheritance mode, an automated score was calculated to assess if this variant is too frequent to cause the disease. Based on the score and internal cut-off values, a variant classified as benign is not then subjected to further curation. The score for this variant resulted in a classification of benign for this disease.

GeneDx
Classification: Benign. Last evaluated: 2016-03-03. Review status: criteria provided, single submitter. Criteria: GeneDx Variant Classification (06012015). Collection method: clinical testing. Allele origin: germline. Affected: yes.
Comment: This variant is considered likely benign or benign based on one or more of the following criteria: it is a conservative change, it occurs at a poorly conserved position in the protein, it is predicted to be benign by multiple in silico algorithms, and/or has population frequency not consistent with disease.

Breakthrough Genomics
Classification: Benign. Review status: criteria provided, single submitter. Criteria: ACMG Guidelines, 2015. Collection method: not provided. Allele origin: germline. Inheritance: Autosomal recessive inheritance. Affected: yes.

PreventionGenetics, part of Exact Sciences
Classification: Benign. Review status: criteria provided, single submitter. Criteria: ACMG Guidelines, 2015. Collection method: clinical testing. Allele origin: germline.

Diagnostic Laboratory, Department of Genetics, University Medical Center Groningen
Classification: Benign. Review status: no assertion criteria provided. Collection method: clinical testing. Allele origin: germline. Affected: yes. Study: VKGL Data-share Consensus. Not counted in ClinVar's aggregate classification.

Genome Diagnostics Laboratory, Amsterdam University Medical Center
Classification: Benign. Review status: no assertion criteria provided. Collection method: clinical testing. Allele origin: germline. Affected: yes. Study: VKGL Data-share Consensus. Not counted in ClinVar's aggregate classification.

NM_001457.4(FLNB):c.4173A>G (p.Ala1391=)

Gene: FLNB (filamin B; plus strand). Cytogenetic location: 3p14.3.
Variant type: single nucleotide variant.
Coding change: c.4173A>G on transcript NM_001457.4 (MANE Select); coding-DNA position 4173, A replaced by G.
Protein change: p.Ala1391=; no amino-acid change (alanine 1391 retained).
Molecular consequence: synonymous variant.
Genome position (GRCh38, 1-based): chr3:58,126,713, A>G. VCF-style: chr3-58126713-A-G. GRCh37 (hg19) VCF-style: chr3-58112440-A-G.
Other names: c.4173A>G, p.Ala1391= (NM_001164317.2, NM_001164318.2, NM_001164319.2).
Identifiers: ClinVar variation 258110 (VCV000258110.19), dbSNP rs2362903, ClinGen allele CA2468671.